The following is an entry in ClinVar:

NM_001165963.4(SCN1A):c.4057G>C (p.Val1353Leu)

Genes: SCN1A (sodium voltage-gated channel alpha subunit 1; minus strand), LOC102724058 (uncharacterized LOC102724058; plus strand). Cytogenetic location: 2q24.3.
Variant type: single nucleotide variant.
Coding change: c.4057G>C on transcript NM_001165963.4 (MANE Select); coding-DNA position 4057, G replaced by C.
Protein change: p.Val1353Leu; replaces valine 1353 with leucine.
Molecular consequence: missense variant. On other transcripts: non-coding transcript variant (1).
Genome position (GRCh38, 1-based): chr2:166,002,699, C>G on the plus strand (G>C on the coding strand, the complement: SCN1A is on the minus strand). VCF-style: chr2-166002699-C-G. GRCh37 (hg19) VCF-style: chr2-166859209-C-G.
Other names: c.3973G>C, p.Val1325Leu (NM_001165964.3, NM_001353957.2, NM_001353958.2); c.4057G>C, p.Val1353Leu (NM_001202435.3, NM_001353948.2); c.4024G>C, p.Val1342Leu (NM_001353949.2, NM_001353950.2, NM_001353951.2 and 2 more transcripts); c.4021G>C, p.Val1341Leu (NM_001353954.2, NM_001353955.2); c.3970G>C, p.Val1324Leu (NM_001353960.2); c.1615G>C, p.Val539Leu (NM_001353961.2); short protein forms V1353L, V1342L, V1325L, V1324L, V1341L, V539L.
Identifiers: ClinVar variation 12885 (VCV000012885.4), dbSNP rs121917954, ClinGen allele CA256593.

ClinVar aggregate classification (germline): Pathogenic. Review status: no assertion criteria provided (0 of 4 stars). 2 submissions from 2 submitters: Pathogenic (1). 1 of the submissions does not count toward it. Last evaluated 2001-04-01.

Conditions:
Generalized epilepsy with febrile seizures plus, type 2 (GEFSP2). Also called: GEFS+, TYPE 2. Identifiers: Orphanet 36387, MedGen C1858673, MONDO:0011461, OMIM 604403.
Generalized epilepsy with febrile seizures plus, type 1 (GEFSP1). Also called: GEFS+, TYPE 1. Identifiers: Orphanet 36387, MedGen C1858672, MONDO:0011416, OMIM 604233.

Submissions (3):

OMIM
Classification: Pathogenic for GENERALIZED EPILEPSY WITH FEBRILE SEIZURES PLUS, TYPE 2. Last evaluated: 2001-04-01. Review status: no assertion criteria provided. Collection method: literature only. Allele origin: germline.

Channelopathy-Associated Epilepsy Research Center
No classification provided (evidence only). Condition: Severe myoclonic epilepsy in infancy. Review status: no classification provided. Collection method: literature only. Allele origin: not applicable. Functional consequence: Absence of peak current, Overall loss-of-function. Not counted in ClinVar's aggregate classification.
ClinVar note: "not provided" was previously submitted as the classification for the variant. However, the classification appeared to be based only on an observation of functional data so it was converted to no classification on 2025-07-30.

UniProtKB/Swiss-Prot
No classification provided. Condition: Generalized epilepsy with febrile seizures plus, type 1. Review status: no classification provided. Collection method: not provided. Allele origin: unknown. Not counted in ClinVar's aggregate classification.

Literature cited by the submitters: PubMed 11254444 (cited by OMIM); PubMed 14672992 (cited by Channelopathy-Associated Epilepsy Research Center).